The following is an entry in ClinVar:

ClinVar aggregate classification (germline): Uncertain significance (1 of 4 stars; one submission).

gnomAD v4.1: 1 of 1,606,348 alleles (0.000062%); no homozygotes.

Submission:

Labcorp Genetics (formerly Invitae), Labcorp
Classification: Uncertain significance. Last evaluated: 2022-04-24. Review status: criteria provided, single submitter. Criteria: Invitae Variant Classification Sherloc (09022015). Collection method: clinical testing. Allele origin: germline.
Comment: In summary, the available evidence is currently insufficient to determine the role of this variant in disease. Therefore, it has been classified as a Variant of Uncertain Significance. Algorithms developed to predict the effect of missense changes on protein structure and function are either unavailable or do not agree on the potential impact of this missense change (SIFT: "Tolerated"; PolyPhen-2: "Probably Damaging"; Align-GVGD: "Class C15"). This variant has not been reported in the literature in individuals affected with CFAP410-related conditions. This variant is not present in population databases (gnomAD no frequency). This sequence change replaces serine, which is neutral and polar, with cysteine, which is neutral and slightly polar, at codon 201 of the CFAP410 protein (p.Ser201Cys).

NM_004928.3(CFAP410):c.602C>G (p.Ser201Cys)

Gene: CFAP410 (cilia and flagella associated protein 410; minus strand). Cytogenetic location: 21q22.3.
Variant type: single nucleotide variant.
Coding change: c.602C>G on transcript NM_004928.3 (MANE Select); coding-DNA position 602, C replaced by G.
Protein change: p.Ser201Cys; replaces serine 201 with cysteine.
Molecular consequence: missense variant.
Genome position (GRCh38, 1-based): chr21:44,330,863, G>C on the plus strand (C>G on the coding strand, the complement: CFAP410 is on the minus strand). VCF-style: chr21-44330863-G-C. GRCh37 (hg19) VCF-style: chr21-45750746-G-C.
Other names: c.599C>G, p.Ser200Cys (NM_001271440.2, NM_001271441.2); c.476C>G, p.Ser159Cys (NM_001271442.1); short protein forms S200C, S159C, S201C.
Identifiers: ClinVar variation 2130399 (VCV002130399.4), dbSNP rs2518043315, ClinGen allele CA410452566.
Genomic context (GRCh38, chr21:44,330,863, plus strand): 5'-CCTAGCGGCCCGCCACTCACCCTGCCCCTGTGGCTGCTCGAGGCATCCCTGGCTGAGAGG[G>C]AAGGAAACTGGCCCCGGGAAGGCGGCTTCAGGCCACGTTCATCCTGGGCGCCGCTGCTGA-3'
Protein context (NP_004919.1, residues 191-211): LKPPSRGQFP[Ser201Cys]LSARDASSSH